The following is an entry in ClinVar:

ClinVar aggregate classification (germline): Uncertain significance (1 of 4 stars; one submission).

Allele frequency attached by ClinVar (database versions not stated): gnomAD exomes below 0.00001; TOPMed 0.00003; gnomAD 0.00001.
gnomAD v4.1: 5 of 1,612,788 alleles (0.00031%); highest among the groups gnomAD compares: East Asian, 0.0045%; no homozygotes.

Submission:

Labcorp Genetics (formerly Invitae), Labcorp
Classification: Uncertain significance. Last evaluated: 2024-10-01. Review status: criteria provided, single submitter. Criteria: Invitae Variant Classification Sherloc (09022015). Collection method: clinical testing. Allele origin: germline.
Comment: This sequence change replaces glycine, which is neutral and non-polar, with glutamic acid, which is acidic and polar, at codon 668 of the SIX5 protein (p.Gly668Glu). This variant is not present in population databases (gnomAD no frequency). This variant has not been reported in the literature in individuals affected with SIX5-related conditions. ClinVar contains an entry for this variant (Variation ID: 2065348). An algorithm developed to predict the effect of missense changes on protein structure and function (PolyPhen-2) suggests that this variant is likely to be disruptive. In summary, the available evidence is currently insufficient to determine the role of this variant in disease. Therefore, it has been classified as a Variant of Uncertain Significance.

NM_175875.5(SIX5):c.2003G>A (p.Gly668Glu)

Gene: SIX5 (SIX homeobox 5; minus strand). Cytogenetic location: 19q13.32.
Variant type: single nucleotide variant.
Coding change: c.2003G>A on transcript NM_175875.5 (MANE Select); coding-DNA position 2003, G replaced by A.
Protein change: p.Gly668Glu; replaces glycine 668 with glutamic acid.
Molecular consequence: missense variant.
Genome position (GRCh38, 1-based): chr19:45,765,718, C>T on the plus strand (G>A on the coding strand, the complement: SIX5 is on the minus strand). VCF-style: chr19-45765718-C-T. GRCh37 (hg19) VCF-style: chr19-46268976-C-T.
Other names: short protein forms G668E.
Identifiers: ClinVar variation 2065348 (VCV002065348.4), dbSNP rs1202539102, ClinGen allele CA406416331.